The following is an entry in ClinVar:

NM_139058.3(ARX):c.1521C>A (p.Ala507=)

Gene: ARX (aristaless related homeobox; minus strand). Cytogenetic location: Xp21.3.
Variant type: single nucleotide variant.
Coding change: c.1521C>A on transcript NM_139058.3 (MANE Select); coding-DNA position 1521, C replaced by A.
Protein change: p.Ala507=; no amino-acid change (alanine 507 retained).
Molecular consequence: synonymous variant.
Genome position (GRCh38, 1-based): chrX:25,004,838, G>T on the plus strand (C>A on the coding strand, the complement: ARX is on the minus strand). VCF-style: chrX-25004838-G-T. GRCh37 (hg19) VCF-style: chrX-25022955-G-T.
Identifiers: ClinVar variation 511995 (VCV000511995.14), dbSNP rs777179729, ClinGen allele CA10373772.

ClinVar aggregate classification (germline): Benign/Likely benign. Review status: criteria provided, multiple submitters, no conflicts (2 of 4 stars). 3 submissions from 3 submitters: Benign (1); Likely benign (1). 1 of the submissions does not count toward it. Last evaluated 2025-10-17.

Conditions:
Intellectual disability, X-linked, with or without seizures, ARX-related. Also called: MENTAL RETARDATION, X-LINKED 29; MENTAL RETARDATION, X-LINKED 32; MENTAL RETARDATION, X-LINKED 33; MENTAL RETARDATION, X-LINKED 38; MENTAL RETARDATION, X-LINKED 43; MENTAL RETARDATION, X-LINKED 76. Identifiers: Orphanet 777, MedGen C0796244, MONDO:0010317, OMIM 300419.
Developmental and epileptic encephalopathy, 1 (DEE1). Also called: X-linked infantile spasms; West's syndrome; Tonic spasms with clustering, arrest of psychomotor development and hypsarrhythmia on EEG; X-Linked Infantile Spasm Syndrome; OHTAHARA SYNDROME, X-LINKED; INFANTILE SPASM SYNDROME, X-LINKED 1. Identifiers: MedGen C3463992, MONDO:0010632, OMIM 308350. Disease mechanism: loss of function.
ARX-related disorder. Also called: ARX-Related Disorders; ARX-related condition. Identifiers: MedGen CN378769.

Allele frequency attached by ClinVar (database versions not stated): gnomAD 0.00001; gnomAD exomes 0.00004 and 0.00014; TOPMed 0.00007; ExAC 0.00022.
gnomAD v4.1: 17 of 1,164,896 alleles (0.0015%); highest among the groups gnomAD compares: Admixed American, 0.043%; no homozygotes.

Submissions (3):

Labcorp Genetics (formerly Invitae), Labcorp
Classification: Benign for Developmental and epileptic encephalopathy, 1; Intellectual disability, X-linked, with or without seizures, ARX-related. Last evaluated: 2025-10-17. Review status: criteria provided, single submitter. Criteria: Invitae Variant Classification Sherloc (09022015). Collection method: clinical testing. Allele origin: germline.

GeneDx
Classification: Likely benign. Last evaluated: 2017-09-18. Review status: criteria provided, single submitter. Criteria: GeneDx Variant Classification (06012015). Collection method: clinical testing. Allele origin: germline. Affected: yes.
Comment: This variant is considered likely benign or benign based on one or more of the following criteria: it is a conservative change, it occurs at a poorly conserved position in the protein, it is predicted to be benign by multiple in silico algorithms, and/or has population frequency not consistent with disease.

PreventionGenetics, part of Exact Sciences
Classification: Likely benign for ARX-related condition. Last evaluated: 2023-12-21. Review status: no assertion criteria provided. Collection method: clinical testing. Allele origin: germline. Not counted in ClinVar's aggregate classification.
Comment: This variant is classified as likely benign based on ACMG/AMP sequence variant interpretation guidelines (Richards et al. 2015 PMID: 25741868, with internal and published modifications).